The following is an entry in ClinVar:

ClinVar aggregate classification (germline): Uncertain significance (1 of 4 stars; one submission).

Submission:

Labcorp Genetics (formerly Invitae), Labcorp
Classification: Uncertain significance. Last evaluated: 2024-01-04. Review status: criteria provided, single submitter. Criteria: Invitae Variant Classification Sherloc (09022015). Collection method: clinical testing. Allele origin: germline.
Comment: This sequence change creates a premature translational stop signal (p.Ser12Trpfs*78) in the RIPPLY2 gene. While this is not anticipated to result in nonsense mediated decay, it is expected to disrupt the last 117 amino acid(s) of the RIPPLY2 protein. This variant is not present in population databases (gnomAD no frequency). This variant has not been reported in the literature in individuals affected with RIPPLY2-related conditions. Experimental studies and prediction algorithms are not available or were not evaluated, and the functional significance of this variant is currently unknown. In summary, the available evidence is currently insufficient to determine the role of this variant in disease. Therefore, it has been classified as a Variant of Uncertain Significance.

NM_001009994.3(RIPPLY2):c.34_35del (p.Ser12fs)

Genes: RIPPLY2 (ripply transcriptional repressor 2; plus strand), RIPPLY2-CYB5R4 (RIPPLY2-CYB5R4 readthrough; plus strand). Cytogenetic location: 6q14.2.
Variant type: Microsatellite.
Coding change: c.34_35del on transcript NM_001009994.3 (MANE Select); coding-DNA positions 34 to 35, 2 bases deleted (AG; older notation c.34_35delAG).
Protein change: p.Ser12fs; shifts the reading frame from serine 12.
Molecular consequence: frameshift variant. On other transcripts: non-coding transcript variant (1).
Genome position (GRCh38, 1-based): chr6:83,853,450-83,853,451, AG deleted; deleting any 2 consecutive bases within chr6:83,853,446-83,853,451 gives the same sequence; the c. name uses the placement nearest the transcript's 3' end. VCF-style (leftmost placement, unchanged base first): chr6-83853445-CAG-C. GRCh37 (hg19) VCF-style: chr6-84563164-CAG-C.
Other names: c.34_35del, p.Ser12fs (NM_001400900.1); short protein forms S12fs.
Identifiers: ClinVar variation 2809248 (VCV002809248.3), dbSNP rs2099454506, ClinGen allele CA645547785.